The following is an entry in ClinVar:

NM_003073.5(SMARCB1):c.90C>T (p.Ser30=)

Gene: SMARCB1 (SWI/SNF related BAF chromatin remodeling complex subunit B1; plus strand). Cytogenetic location: 22q11.23.
Variant type: single nucleotide variant.
Coding change: c.90C>T on transcript NM_003073.5 (MANE Select); coding-DNA position 90, C replaced by T.
Protein change: p.Ser30=; no amino-acid change (serine 30 retained).
Molecular consequence: synonymous variant.
Genome position (GRCh38, 1-based): chr22:23,787,259, C>T. VCF-style: chr22-23787259-C-T. GRCh37 (hg19) VCF-style: chr22-24129446-C-T.
Other names: c.90C>T (LRG_520t1, NM_003073.4); c.90C>T, p.Ser30= (NM_001007468.3, NM_001317946.2, NM_001362877.2).
Identifiers: ClinVar variation 532978 (VCV000532978.27), dbSNP rs761868468, ClinGen allele CA10145825.

ClinVar aggregate classification (germline): Conflicting classifications of pathogenicity. Review status: criteria provided, conflicting classifications (1 of 4 stars). 5 submissions from 5 submitters: Uncertain significance (1); Likely benign (3). 1 of the submissions does not count toward it. Last evaluated 2026-01-16.

Conditions:
Hereditary cancer-predisposing syndrome. Also called: Hereditary neoplastic syndrome; Tumor predisposition; Neoplastic Syndromes, Hereditary; Hereditary Cancer Syndrome. Identifiers: Orphanet 140162, MedGen C0027672, MeSH D009386, MONDO:0015356.
SMARCB1-related disorder. Also called: SMARCB1-related disorders; SMARCB1-related condition.

Allele frequency attached by ClinVar (database versions not stated): ExAC 0.00001.
gnomAD v4.1: 5 of 1,587,796 alleles (0.00031%); highest among the groups gnomAD compares: Non-Finnish European, 0.00026%; no homozygotes.

Submissions (5):

Labcorp Genetics (formerly Invitae), Labcorp
Classification: Likely benign. Last evaluated: 2026-01-16. Review status: criteria provided, single submitter. Criteria: Invitae Variant Classification Sherloc (09022015). Collection method: clinical testing. Allele origin: germline.

Blueprint Genetics
Classification: Likely benign. Last evaluated: 2024-09-02. Review status: criteria provided, single submitter. Criteria: ACMG Guidelines, 2015. Collection method: clinical testing. Allele origin: germline.

ARUP Laboratories, Molecular Genetics and Genomics, ARUP Laboratories
Classification: Uncertain significance. Last evaluated: 2020-03-09. Review status: criteria provided, single submitter. Criteria: ARUP Molecular Germline Variant Investigation Process. Collection method: clinical testing. Allele origin: germline.

Ambry Genetics
Classification: Likely benign for Hereditary cancer-predisposing syndrome. Last evaluated: 2019-02-12. Review status: criteria provided, single submitter. Criteria: Ambry Variant Classification Scheme 2023. Collection method: clinical testing. Allele origin: germline.

PreventionGenetics, part of Exact Sciences
Classification: Likely benign for SMARCB1-related condition. Last evaluated: 2019-09-03. Review status: no assertion criteria provided. Collection method: clinical testing. Allele origin: germline. Not counted in ClinVar's aggregate classification.
Comment: This variant is classified as likely benign based on ACMG/AMP sequence variant interpretation guidelines (Richards et al. 2015 PMID: 25741868, with internal and published modifications).